The following is an entry in ClinVar:

ClinVar aggregate classification (germline): Uncertain significance (1 of 4 stars; one submission).

Conditions:
Sulfite oxidase deficiency due to molybdenum cofactor deficiency type A. Also called: Molybdenum cofactor deficiency, complementation group A; Molybdenum Cofactor Deficiency A. Identifiers: Orphanet 308386, Orphanet 833, MedGen C1854988, MONDO:0009643, OMIM 252150.

Allele frequency attached by ClinVar (database versions not stated): gnomAD 0.00018 and 0.00020.
gnomAD v4.1: 51 of 1,613,918 alleles (0.0032%); highest among the groups gnomAD compares: African/African-American, 0.057%; no homozygotes.

Submission:

Labcorp Genetics (formerly Invitae), Labcorp
Classification: Uncertain significance for Sulfite oxidase deficiency due to molybdenum cofactor deficiency type A. Last evaluated: 2022-07-27. Review status: criteria provided, single submitter. Criteria: Invitae Variant Classification Sherloc (09022015). Collection method: clinical testing. Allele origin: germline.
Comment: This sequence change replaces glycine, which is neutral and non-polar, with valine, which is neutral and non-polar, at codon 441 of the MOCS1 protein (p.Gly441Val). This variant is present in population databases (rs751709940, gnomAD 0.06%). This variant has not been reported in the literature in individuals affected with MOCS1-related conditions. ClinVar contains an entry for this variant (Variation ID: 1385568). Algorithms developed to predict the effect of missense changes on protein structure and function are either unavailable or do not agree on the potential impact of this missense change (SIFT: "Not Available"; PolyPhen-2: "Benign"; Align-GVGD: "Not Available"). In summary, the available evidence is currently insufficient to determine the role of this variant in disease. Therefore, it has been classified as a Variant of Uncertain Significance.

NM_001358530.2(MOCS1):c.1322G>T (p.Gly441Val)

Gene: MOCS1 (molybdenum cofactor synthesis 1; minus strand). Cytogenetic location: 6p21.2.
Variant type: single nucleotide variant.
Coding change: c.1322G>T on transcript NM_001358530.2 (MANE Select); coding-DNA position 1322, G replaced by T.
Protein change: p.Gly441Val; replaces glycine 441 with valine.
Molecular consequence: missense variant. On other transcripts: 3 prime UTR variant (4), non-coding transcript variant (1).
Genome position (GRCh38, 1-based): chr6:39,906,946, C>A on the plus strand (G>T on the coding strand, the complement: MOCS1 is on the minus strand). VCF-style: chr6-39906946-C-A. GRCh37 (hg19) VCF-style: chr6-39874722-C-A.
Other names: c.*179G>T (NM_001075098.4, NM_001358533.2, NM_001358534.2 and 1 more transcripts); c.1274G>T, p.Gly425Val (NM_001358529.2); c.1061G>T, p.Gly354Val (NM_001358531.2); short protein forms G441V, G354V, G425V.
Identifiers: ClinVar variation 1385568 (VCV001385568.3), dbSNP rs751709940, ClinGen allele CA3795967.